The following is an entry in ClinVar:

ClinVar aggregate classification (germline): Conflicting classifications of pathogenicity. Review status: criteria provided, conflicting classifications (1 of 4 stars). 6 submissions from 6 submitters: Uncertain significance (1); Likely benign (3). 2 of the submissions do not count toward it. Last evaluated 2026-01-13.

Conditions:
EYS-related disorder. Also called: EYS-related condition.
Retinitis pigmentosa (RP). Identifiers: Orphanet 791, MedGen C0035334, MeSH D012174, MONDO:0019200, OMIM 268000. Inheritance: Autosomal dominant, autosomal recessive and X linked inheritance.

Allele frequency attached by ClinVar (database versions not stated): ExAC 0.00010; gnomAD exomes 0.00026 and 0.00037; gnomAD 0.00027 and 0.00029; TOPMed 0.00035.
gnomAD v4.1: 564 of 1,551,014 alleles (0.036%); highest among the groups gnomAD compares: Admixed American, 0.073%; no homozygotes.

Submissions (6):

Labcorp Genetics (formerly Invitae), Labcorp
Classification: Likely benign. Last evaluated: 2026-01-13. Review status: criteria provided, single submitter. Criteria: Invitae Variant Classification Sherloc (09022015). Collection method: clinical testing. Allele origin: germline.

Blueprint Genetics
Classification: Likely benign. Last evaluated: 2024-09-26. Review status: criteria provided, single submitter. Criteria: ACMG Guidelines, 2015. Collection method: clinical testing. Allele origin: germline.

CeGaT Center for Human Genetics Tuebingen
Classification: Likely benign. Last evaluated: 2022-11-01. Review status: criteria provided, single submitter. Criteria: CeGaT Center For Human Genetics Tuebingen Variant Classification Criteria Version 2. Collection method: clinical testing. Allele origin: germline. Affected: yes. Observed: 1 variant allele.
Comment: EYS: BP4

Illumina Laboratory Services, Illumina
Classification: Uncertain significance for Retinitis pigmentosa. Last evaluated: 2018-01-15. Review status: criteria provided, single submitter. Criteria: ICSL Variant Classification Criteria 13 December 2019. Collection method: clinical testing. Allele origin: germline.

Natera, Inc.
Classification: Likely benign for Retinitis pigmentosa. Last evaluated: 2020-01-04. Review status: no assertion criteria provided. Collection method: clinical testing. Allele origin: germline. Not counted in ClinVar's aggregate classification.

PreventionGenetics, part of Exact Sciences
Classification: Likely benign for EYS-related condition. Last evaluated: 2019-03-20. Review status: no assertion criteria provided. Collection method: clinical testing. Allele origin: germline. Not counted in ClinVar's aggregate classification.
Comment: This variant is classified as likely benign based on ACMG/AMP sequence variant interpretation guidelines (Richards et al. 2015 PMID: 25741868, with internal and published modifications).

NM_001142800.2(EYS):c.5577C>T (p.Pro1859=)

Gene: EYS (EGF-like photoreceptor maintenance factor; minus strand). Cytogenetic location: 6q12.
Variant type: single nucleotide variant.
Coding change: c.5577C>T on transcript NM_001142800.2 (MANE Select); coding-DNA position 5577, C replaced by T.
Protein change: p.Pro1859=; no amino-acid change (proline 1859 retained).
Molecular consequence: synonymous variant.
Genome position (GRCh38, 1-based): chr6:64,590,290, G>A on the plus strand (C>T on the coding strand, the complement: EYS is on the minus strand). VCF-style: chr6-64590290-G-A. GRCh37 (hg19) VCF-style: chr6-65300183-G-A.
Other names: c.5577C>T, p.Pro1859= (NM_001292009.2).
Identifiers: ClinVar variation 721275 (VCV000721275.41), dbSNP rs747911999, ClinGen allele CA3877008.